The following is an entry in ClinVar:

NM_030624.3(KLHL15):c.711G>A (p.Lys237=)

Gene: KLHL15 (kelch like family member 15; minus strand). Cytogenetic location: Xp22.11.
Variant type: single nucleotide variant.
Coding change: c.711G>A on transcript NM_030624.3 (MANE Select); coding-DNA position 711, G replaced by A.
Protein change: p.Lys237=; no amino-acid change (lysine 237 retained).
Molecular consequence: synonymous variant.
Genome position (GRCh38, 1-based): chrX:23,989,025, C>T on the plus strand (G>A on the coding strand, the complement: KLHL15 is on the minus strand). VCF-style: chrX-23989025-C-T. GRCh37 (hg19) VCF-style: chrX-24007142-C-T.
Identifiers: ClinVar variation 2660177 (VCV002660177.25), dbSNP rs766399646, ClinGen allele CA10370535.

ClinVar aggregate classification (germline): Likely benign. Review status: criteria provided, multiple submitters, no conflicts (2 of 4 stars). 2 submissions from 2 submitters: Likely benign (2). Last evaluated 2022-11-01.

Allele frequency attached by ClinVar (database versions not stated): gnomAD exomes below 0.00001.
gnomAD v4.1: 4 of 1,189,241 alleles (0.00034%); highest among the groups gnomAD compares: Middle Eastern, 0.024%; no homozygotes.

Submissions (2):

CeGaT Center for Human Genetics Tuebingen
Classification: Likely benign. Last evaluated: 2022-11-01. Review status: criteria provided, single submitter. Criteria: CeGaT Center For Human Genetics Tuebingen Variant Classification Criteria Version 2. Collection method: clinical testing. Allele origin: germline. Affected: yes. Observed: 1 variant allele.
Comment: KLHL15: PM2:Supporting, BP4, BP7

Blueprint Genetics
Classification: Likely benign. Last evaluated: 2020-03-19. Review status: criteria provided, single submitter. Criteria: ACMG Guidelines, 2015. Collection method: clinical testing. Allele origin: germline.